The following is an entry in ClinVar:

ClinVar aggregate classification (germline): Uncertain significance. Review status: criteria provided, multiple submitters, no conflicts (2 of 4 stars). 2 submissions from 2 submitters: Uncertain significance (2). Last evaluated 2022-08-19.

Conditions:
Combined oxidative phosphorylation defect type 11. Also called: Combined oxidative phosphorylation deficiency 11; ENCEPHALONEUROMYOPATHY, INFANTILE, DUE TO MITOCHONDRIAL TRANSLATION DEFECT. Identifiers: Orphanet 324535, MedGen C5190991, MONDO:0013969, OMIM 614922.

Allele frequency attached by ClinVar (database versions not stated): gnomAD exomes 0.00001 and 0.00002; TOPMed 0.00001; ExAC 0.00002.
gnomAD v4.1: 5 of 1,611,860 alleles (0.00031%); highest among the groups gnomAD compares: Admixed American, 0.0067%; no homozygotes.

Submissions (2):

Labcorp Genetics (formerly Invitae), Labcorp
Classification: Uncertain significance. Last evaluated: 2022-08-19. Review status: criteria provided, single submitter. Criteria: Invitae Variant Classification Sherloc (09022015). Collection method: clinical testing. Allele origin: germline.
Comment: This sequence change falls in intron 11 of the RMND1 gene. It does not directly change the encoded amino acid sequence of the RMND1 protein. This variant is present in population databases (rs765780346, gnomAD 0.01%). This variant has not been reported in the literature in individuals affected with RMND1-related conditions. ClinVar contains an entry for this variant (Variation ID: 1032011). Algorithms developed to predict the effect of sequence changes on RNA splicing suggest that this variant may disrupt the consensus splice site. In summary, the available evidence is currently insufficient to determine the role of this variant in disease. Therefore, it has been classified as a Variant of Uncertain Significance.

Baylor Genetics
Classification: Uncertain significance for Combined oxidative phosphorylation defect type 11. Last evaluated: 2018-07-03. Review status: criteria provided, single submitter. Criteria: ACMG Guidelines, 2015. Collection method: clinical testing. Allele origin: maternal. Affected: yes.
Comment: This variant was determined to be of uncertain significance according to ACMG Guidelines, 2015 [PMID:25741868].

NM_017909.4(RMND1):c.1318-11T>C

Gene: RMND1 (required for meiotic nuclear division 1 homolog; minus strand). Cytogenetic location: 6q25.1.
Variant type: single nucleotide variant.
Coding change: c.1318-11T>C on transcript NM_017909.4 (MANE Select); 11 bases into the intron before coding-DNA position 1318, T replaced by C.
Molecular consequence: intron variant.
Genome position (GRCh38, 1-based): chr6:151,405,278, A>G on the plus strand (T>C on the coding strand, the complement: RMND1 is on the minus strand). VCF-style: chr6-151405278-A-G. GRCh37 (hg19) VCF-style: chr6-151726413-A-G.
Other names: c.808-11T>C (NM_001271937.2).
Identifiers: ClinVar variation 1032011 (VCV001032011.3), dbSNP rs765780346, ClinGen allele CA4050705.
Genomic context (GRCh38, chr6:151,405,278, plus strand): 5'-CTTTGGTTATCACTTGATCAGAAAAATACTCGTCCCAGCTCAAACATTACCTTAGAATAG[A>G]AAGTGAGAATTATTTCATGACGGGCAAATTATGGGTACAAACTAAAATGACTTCCAAGAT-3'